The following is an entry in ClinVar:

NM_176787.5(PIGN):c.939T>C (p.Asn313=)

Gene: PIGN (phosphatidylinositol glycan anchor biosynthesis class N; minus strand). Cytogenetic location: 18q21.33.
Variant type: single nucleotide variant.
Coding change: c.939T>C on transcript NM_176787.5 (MANE Select); coding-DNA position 939, T replaced by C.
Protein change: p.Asn313=; no amino-acid change (asparagine 313 retained).
Molecular consequence: synonymous variant.
Genome position (GRCh38, 1-based): chr18:62,143,330, A>G on the plus strand (T>C on the coding strand, the complement: PIGN is on the minus strand). VCF-style: chr18-62143330-A-G. GRCh37 (hg19) VCF-style: chr18-59810563-A-G.
Other names: p.Asn313=; c.939T>C, p.Asn313= (NM_012327.6).
Identifiers: ClinVar variation 403305 (VCV000403305.21), dbSNP rs34227891, ClinGen allele CA8982447.

ClinVar aggregate classification (germline): Benign. Review status: criteria provided, multiple submitters, no conflicts (2 of 4 stars). 7 submissions from 7 submitters: Benign (7). Last evaluated 2026-02-04.

Conditions:
Inborn genetic diseases. Identifiers: MedGen C0950123, MeSH D030342.
Multiple congenital anomalies-hypotonia-seizures syndrome 1 (MCAHS1). Also called: PIGN-CDG; Congenital disorder of glycosylation due to PIGN deficiency; GLYCOSYLPHOSPHATIDYLINOSITOL BIOSYNTHESIS DEFECT 3. Identifiers: Orphanet 280633, MedGen C3279775, MONDO:0013563, OMIM 614080.

Allele frequency attached by ClinVar (database versions not stated): 1000 Genomes Project 30x 0.17380; 1000 Genomes Project 0.17412; gnomAD exomes 0.19247 and 0.24716; TOPMed 0.23339; gnomAD 0.23735 and 0.24195; ESP Exome Variant Server 0.24752; ExAC 0.25230.

Submissions (7):

Labcorp Genetics (formerly Invitae), Labcorp
Classification: Benign for Multiple congenital anomalies-hypotonia-seizures syndrome 1. Last evaluated: 2026-02-04. Review status: criteria provided, single submitter. Criteria: Invitae Variant Classification Sherloc (09022015). Collection method: clinical testing. Allele origin: germline.

Blueprint Genetics
Classification: Benign. Last evaluated: 2024-11-28. Review status: criteria provided, single submitter. Criteria: ACMG Guidelines, 2015. Collection method: clinical testing. Allele origin: germline.

Mayo Clinic Laboratories, Mayo Clinic
Classification: Benign. Last evaluated: 2021-11-29. Review status: criteria provided, single submitter. Criteria: ACMG Guidelines, 2015. Collection method: clinical testing. Allele origin: germline. Observed: 123 variant alleles.

GeneDx
Classification: Benign. Last evaluated: 2018-06-14. Review status: criteria provided, single submitter. Criteria: GeneDx Variant Classification (06012015). Collection method: clinical testing. Allele origin: germline. Affected: yes.
Comment: This variant is considered likely benign or benign based on one or more of the following criteria: it is a conservative change, it occurs at a poorly conserved position in the protein, it is predicted to be benign by multiple in silico algorithms, and/or has population frequency not consistent with disease.

Laboratory for Molecular Medicine, Mass General Brigham Personalized Medicine
Classification: Benign. Last evaluated: 2016-03-29. Review status: criteria provided, single submitter. Criteria: LMM Criteria. Collection method: clinical testing. Allele origin: germline.
Comment: Variant identified in a genome or exome case(s) and assessed due to predicted null impact of the variant or pathogenic assertions in the literature or databases. Disclaimer: This variant has not undergone full assessment. The following are preliminary notes: Frequency

Ambry Genetics
Classification: Benign for Inborn genetic diseases. Last evaluated: 2016-03-19. Review status: criteria provided, single submitter. Criteria: Ambry Variant Classification Scheme 2023. Collection method: clinical testing. Allele origin: germline.

Breakthrough Genomics
Classification: Benign. Review status: criteria provided, single submitter. Criteria: ACMG Guidelines, 2015. Collection method: not provided. Allele origin: germline. Inheritance: Autosomal recessive inheritance. Affected: yes.